The following is an entry in ClinVar:

NM_000171.4(GLRA1):c.543C>G (p.Ile181Met)

Gene: GLRA1 (glycine receptor alpha 1; minus strand). Cytogenetic location: 5q33.1.
Variant type: single nucleotide variant.
Coding change: c.543C>G on transcript NM_000171.4 (MANE Select); coding-DNA position 543, C replaced by G.
Protein change: p.Ile181Met; replaces isoleucine 181 with methionine.
Molecular consequence: missense variant.
Genome position (GRCh38, 1-based): chr5:151,856,317, G>C on the plus strand (C>G on the coding strand, the complement: GLRA1 is on the minus strand). VCF-style: chr5-151856317-G-C. GRCh37 (hg19) VCF-style: chr5-151235878-G-C.
Other names: c.543C>G, p.Ile181Met (NM_001146040.2); c.294C>G, p.Ile98Met (NM_001292000.2); short protein forms I181M, I98M.
Identifiers: ClinVar variation 1312731 (VCV001312731.6), dbSNP rs1753041280, ClinGen allele CA361840460.
Genomic context (GRCh38, chr5:151,856,317, plus strand): 5'-AAAGGAGCCTGGTTCTTTCTAGAGGACTCATGCAAGACACTCACAGCTTTCCAGTTGCAT[G>C]ATACATGTCTGGACATCCATGGGGAAATTCTTCAAGTCCATGGGGCAGGCCAGTGTCAGG-3'
Protein context (NP_000162.2, residues 171-191): KNFPMDVQTC[Ile181Met]MQLESFGYTM

ClinVar aggregate classification (germline): Uncertain significance. Review status: criteria provided, multiple submitters, no conflicts (2 of 4 stars). 2 submissions from 2 submitters: Uncertain significance (2). Last evaluated 2022-09-27.

Conditions:
Hereditary hyperekplexia. Identifiers: Orphanet 3197, MedGen C4084968, MONDO:0021022.

Allele frequency attached by ClinVar (database versions not stated): TOPMed 0.00002.
gnomAD v4.1: 1 of 1,610,440 alleles (0.000062%); no homozygotes.

Submissions (2):

Labcorp Genetics (formerly Invitae), Labcorp
Classification: Uncertain significance for Hereditary hyperekplexia. Last evaluated: 2022-09-27. Review status: criteria provided, single submitter. Criteria: Invitae Variant Classification Sherloc (09022015). Collection method: clinical testing. Allele origin: germline.
Comment: This sequence change replaces isoleucine, which is neutral and non-polar, with methionine, which is neutral and non-polar, at codon 181 of the GLRA1 protein (p.Ile181Met). This variant is not present in population databases (gnomAD no frequency). This variant has not been reported in the literature in individuals affected with GLRA1-related conditions. ClinVar contains an entry for this variant (Variation ID: 1312731). Advanced modeling of protein sequence and biophysical properties (such as structural, functional, and spatial information, amino acid conservation, physicochemical variation, residue mobility, and thermodynamic stability) performed at Invitae indicates that this missense variant is not expected to disrupt GLRA1 protein function. In summary, the available evidence is currently insufficient to determine the role of this variant in disease. Therefore, it has been classified as a Variant of Uncertain Significance.

GeneDx
Classification: Uncertain significance. Last evaluated: 2020-06-23. Review status: criteria provided, single submitter. Criteria: GeneDx Variant Classification Process June 2021. Collection method: clinical testing. Allele origin: germline. Affected: yes.
Comment: Not observed in large population cohorts (Lek et al., 2016); In silico analysis supports that this missense variant does not alter protein structure/function; Has not been previously published as pathogenic or benign to our knowledge